The following is an entry in ClinVar:

NM_001377.3(DYNC2H1):c.2802G>T (p.Leu934Phe)

Gene: DYNC2H1 (dynein cytoplasmic 2 heavy chain 1; plus strand). Cytogenetic location: 11q22.3.
Variant type: single nucleotide variant.
Coding change: c.2802G>T on transcript NM_001377.3 (MANE Select); coding-DNA position 2802, G replaced by T.
Protein change: p.Leu934Phe; replaces leucine 934 with phenylalanine.
Molecular consequence: missense variant.
Genome position (GRCh38, 1-based): chr11:103,147,871, G>T. VCF-style: chr11-103147871-G-T. GRCh37 (hg19) VCF-style: chr11-103018600-G-T.
Other names: c.2802G>T, p.Leu934Phe (NM_001080463.2); short protein forms L934F.
Identifiers: ClinVar variation 4978823 (VCV004978823.1).

ClinVar aggregate classification (germline): Uncertain significance (1 of 4 stars; one submission).

Conditions:
DYNC2H1-related disorder. Also called: DYNC2H1-related disorders; DYNC2H1-related condition. Identifiers: MedGen CN378770.

gnomAD v4.1: 4 of 1,607,460 alleles (0.00025%); highest among the groups gnomAD compares: Non-Finnish European, 0.00034%; no homozygotes.

Submission:

PreventionGenetics, part of Exact Sciences
Classification: Uncertain significance for DYNC2H1-related condition. Last evaluated: 2026-02-17. Review status: criteria provided, single submitter. Criteria: ACMG Guidelines, 2015. Collection method: clinical testing. Allele origin: germline.
Comment: The DYNC2H1 c.2802G>T variant is predicted to result in the amino acid substitution p.Leu934Phe. To our knowledge, this variant has not been reported in the literature or in a large population database (gnomAD), indicating this variant is rare. At this time, the clinical significance of this variant is uncertain due to the absence of conclusive functional and genetic evidence.